The following is an entry in ClinVar:

NM_003072.5(SMARCA4):c.2562C>T (p.Asn854=)

Gene: SMARCA4 (SWI/SNF related BAF chromatin remodeling complex subunit ATPase 4; plus strand). Cytogenetic location: 19p13.2.
Variant type: single nucleotide variant.
Coding change: c.2562C>T on transcript NM_003072.5 (MANE Select); coding-DNA position 2562, C replaced by T.
Protein change: p.Asn854=; no amino-acid change (asparagine 854 retained).
Molecular consequence: synonymous variant. On other transcripts: non-coding transcript variant (1).
Genome position (GRCh38, 1-based): chr19:11,019,647, C>T. VCF-style: chr19-11019647-C-T. GRCh37 (hg19) VCF-style: chr19-11130323-C-T.
Other names: c.2562C>T, p.Asn854= (NM_001128844.3, NM_001128845.2, NM_001128846.2 and 5 more transcripts).
Identifiers: ClinVar variation 238408 (VCV000238408.21), dbSNP rs369724341, ClinGen allele CA9204159.
Genomic context (GRCh38, chr19:11,019,647, plus strand): 5'-GCAGGGATCCCCAGCAGCAAGACGGGCCTTTGTCCCCCAGCTCCGGAGTGGGAAGTTCAA[C>T]GTCTTGCTGACGACGTACGAGTACATCATCAAAGACAAGCACATCCTCGCCAAGGTAACG-3'
Protein context (NP_003063.2, residues 844-864): FVPQLRSGKF[Asn854=]VLLTTYEYII

ClinVar aggregate classification (germline): Benign/Likely benign. Review status: criteria provided, multiple submitters, no conflicts (2 of 4 stars). 6 submissions from 6 submitters: Benign (2); Likely benign (3). 1 of the submissions does not count toward it. Last evaluated 2026-07-13.

Conditions:
SMARCA4-related disorder. Also called: SMARCA4-related condition.
Hereditary cancer-predisposing syndrome. Also called: Hereditary Cancer Syndrome; Tumor predisposition; Hereditary neoplastic syndrome; Neoplastic Syndromes, Hereditary. Identifiers: Orphanet 140162, MedGen C0027672, MeSH D009386, MONDO:0015356.
Intellectual disability, autosomal dominant 16 (CSS4). Also called: COFFIN-SIRIS SYNDROME 4. Identifiers: Orphanet 1465, MedGen C3553249, MONDO:0013821, OMIM 614609.
Rhabdoid tumor predisposition syndrome 2 (RTPS2). Identifiers: Orphanet 231108, Orphanet 69077, MedGen C2750074, MONDO:0013224, OMIM 613325.

Allele frequency attached by ClinVar (database versions not stated): gnomAD 0.00002 and 0.00003; gnomAD exomes 0.00004 and 0.00002; ExAC 0.00005; TOPMed 0.00006; ESP Exome Variant Server 0.00008.
gnomAD v4.1: 35 of 1,613,592 alleles (0.0022%); highest among the groups gnomAD compares: Admixed American, 0.0067%; no homozygotes.

Submissions (6):

Myriad Genetics, Inc.
Classification: Benign for Rhabdoid tumor predisposition syndrome 2. Last evaluated: 2026-07-13. Review status: criteria provided, single submitter. Criteria: Myriad Autosomal Dominant, Autosomal Recessive and X-Linked Classification Criteria (2023). Collection method: clinical testing. Allele origin: unknown.
Comment: This variant is considered benign. This variant is a silent/synonymous amino acid change and it is not expected to impact splicing.

Labcorp Genetics (formerly Invitae), Labcorp
Classification: Likely benign for Rhabdoid tumor predisposition syndrome 2. Last evaluated: 2026-01-22. Review status: criteria provided, single submitter. Criteria: Invitae Variant Classification Sherloc (09022015). Collection method: clinical testing. Allele origin: germline.

Quest Diagnostics Nichols Institute San Juan Capistrano
Classification: Benign. Last evaluated: 2024-12-28. Review status: criteria provided, single submitter. Criteria: Quest Diagnostics criteria. Collection method: clinical testing. Allele origin: unknown.

Fulgent Genetics
Classification: Likely benign for Rhabdoid tumor predisposition syndrome 2; Intellectual disability, autosomal dominant 16. Last evaluated: 2021-12-13. Review status: criteria provided, single submitter. Criteria: ACMG Guidelines, 2015. Collection method: clinical testing. Allele origin: unknown.

Ambry Genetics
Classification: Likely benign for Hereditary cancer-predisposing syndrome. Last evaluated: 2015-09-04. Review status: criteria provided, single submitter. Criteria: Ambry Variant Classification Scheme 2023. Collection method: clinical testing. Allele origin: germline.

PreventionGenetics, part of Exact Sciences
Classification: Likely benign for SMARCA4-related condition. Last evaluated: 2023-11-28. Review status: no assertion criteria provided. Collection method: clinical testing. Allele origin: germline. Not counted in ClinVar's aggregate classification.
Comment: This variant is classified as likely benign based on ACMG/AMP sequence variant interpretation guidelines (Richards et al. 2015 PMID: 25741868, with internal and published modifications).